The following is an entry in ClinVar:

ClinVar aggregate classification (germline): Pathogenic (1 of 4 stars; one submission).

Submission:

Centre of Medical Genetics, University Hospital Muenster
Classification: Pathogenic. Last evaluated: 2022-09-20. Review status: criteria provided, single submitter. Criteria: ACMG Guidelines, 2015. Collection method: clinical testing. Allele origin: unknown. Affected: yes. Observed: 1 variant allele.
Comment: ACMG categories: PVS1,PM2,PP3

NM_004006.3(DMD):c.5740-1G>A

Gene: DMD (dystrophin; minus strand). Cytogenetic location: Xp21.1.
Variant type: single nucleotide variant.
Coding change: c.5740-1G>A on transcript NM_004006.3 (MANE Select); the canonical splice acceptor site of the intron before coding-DNA position 5740, G replaced by A.
Molecular consequence: splice acceptor variant.
Genome position (GRCh38, 1-based): chrX:32,342,283, C>T on the plus strand (G>A on the coding strand, the complement: DMD is on the minus strand). VCF-style: chrX-32342283-C-T. GRCh37 (hg19) VCF-style: chrX-32360400-C-T.
Other names: c.5716-1G>A (NM_000109.4); c.1717-1G>A (NM_004011.4); c.1708-1G>A (NM_004012.4); c.5728-1G>A (NM_004009.3); c.5371-1G>A (NM_004010.3).
Identifiers: ClinVar variation 1708419 (VCV001708419.3), dbSNP rs2148813707, ClinGen allele CA412665388.